The following is an entry in ClinVar:

NM_006019.4(TCIRG1):c.1630G>C (p.Val544Leu)

Gene: TCIRG1 (T cell immune regulator 1, ATPase H+ transporting V0 subunit a3; plus strand). Cytogenetic location: 11q13.2.
Variant type: single nucleotide variant.
Coding change: c.1630G>C on transcript NM_006019.4 (MANE Select); coding-DNA position 1630, G replaced by C.
Protein change: p.Val544Leu; replaces valine 544 with leucine.
Molecular consequence: missense variant.
Genome position (GRCh38, 1-based): chr11:68,048,954, G>C. VCF-style: chr11-68048954-G-C. GRCh37 (hg19) VCF-style: chr11-67816421-G-C.
Other names: c.736G>C, p.Val246Leu (NM_001351059.2); c.982G>C, p.Val328Leu (NM_006053.4); c.1630G>C (NM_006019.3); short protein forms V246L, V328L, V544L.
Identifiers: ClinVar variation 2146644 (VCV002146644.4), dbSNP rs371505143, ClinGen allele CA6147209.

ClinVar aggregate classification (germline): Uncertain significance. Review status: criteria provided, multiple submitters, no conflicts (2 of 4 stars). 2 submissions from 2 submitters: Uncertain significance (2). Last evaluated 2025-10-02.

Conditions:
Inborn genetic diseases. Identifiers: MedGen C0950123, MeSH D030342.

Allele frequency attached by ClinVar (database versions not stated): 1000 Genomes Project 30x 0.00016.
gnomAD v4.1: 42 of 1,613,712 alleles (0.0026%); highest among the groups gnomAD compares: African/African-American, 0.052%; no homozygotes.

Submissions (2):

Ambry Genetics
Classification: Uncertain significance for Inborn genetic diseases. Last evaluated: 2025-10-02. Review status: criteria provided, single submitter. Criteria: Ambry Variant Classification Scheme 2023. Collection method: clinical testing. Allele origin: germline.

Labcorp Genetics (formerly Invitae), Labcorp
Classification: Uncertain significance. Last evaluated: 2025-07-21. Review status: criteria provided, single submitter. Criteria: Invitae Variant Classification Sherloc (09022015). Collection method: clinical testing. Allele origin: germline.
Comment: This sequence change replaces valine, which is neutral and non-polar, with leucine, which is neutral and non-polar, at codon 544 of the TCIRG1 protein (p.Val544Leu). This variant is present in population databases (rs371505143, gnomAD 0.09%). This variant has not been reported in the literature in individuals affected with TCIRG1-related conditions. ClinVar contains an entry for this variant (Variation ID: 2146644). Invitae Evidence Modeling of protein sequence and biophysical properties (such as structural, functional, and spatial information, amino acid conservation, physicochemical variation, residue mobility, and thermodynamic stability) indicates that this missense variant is not expected to disrupt TCIRG1 protein function with a negative predictive value of 80%. In summary, the available evidence is currently insufficient to determine the role of this variant in disease. Therefore, it has been classified as a Variant of Uncertain Significance.